The following is an entry in ClinVar:

ClinVar aggregate classification (germline): Uncertain significance (1 of 4 stars; one submission).

Conditions:
Cardiovascular phenotype. Identifiers: MedGen CN230736.

gnomAD v4.1: 1 of 1,610,480 alleles (0.000062%); highest among the groups gnomAD compares: East Asian, 0.0022%; no homozygotes.

Submission:

Ambry Genetics
Classification: Uncertain significance for Cardiovascular phenotype. Last evaluated: 2025-10-05. Review status: criteria provided, single submitter. Criteria: Ambry Variant Classification Scheme 2023. Collection method: clinical testing. Allele origin: germline.
Comment: The p.S2275P variant (also known as c.6823T>C), located in coding exon 18 of the TNXB gene, results from a T to C substitution at nucleotide position 6823. The serine at codon 2275 is replaced by proline, an amino acid with similar properties. This amino acid position is conserved. In addition, this alteration is predicted to be tolerated by in silico analysis. Based on the available evidence, the clinical significance of this variant remains unclear.

NM_001365276.2(TNXB):c.6823T>C (p.Ser2275Pro)

Gene: TNXB (tenascin XB; minus strand). Cytogenetic location: 6p21.33.
Variant type: single nucleotide variant.
Coding change: c.6823T>C on transcript NM_001365276.2 (MANE Select); coding-DNA position 6823, T replaced by C.
Protein change: p.Ser2275Pro; replaces serine 2275 with proline.
Molecular consequence: missense variant.
Genome position (GRCh38, 1-based): chr6:32,064,839, A>G on the plus strand (T>C on the coding strand, the complement: TNXB is on the minus strand). VCF-style: chr6-32064839-A-G. GRCh37 (hg19) VCF-style: chr6-32032616-A-G.
Other names: c.7564T>C, p.Ser2522Pro (NM_001428335.1); c.6823T>C, p.Ser2275Pro (NM_019105.8); short protein forms S2522P, S2275P.
Identifiers: ClinVar variation 4615148 (VCV004615148.1).